The following is an entry in ClinVar:

NM_007214.5(SEC63):c.374G>A (p.Arg125His)

Gene: SEC63 (SEC63 protein translocation regulator; minus strand). Cytogenetic location: 6q21.
Variant type: single nucleotide variant.
Coding change: c.374G>A on transcript NM_007214.5 (MANE Select); coding-DNA position 374, G replaced by A.
Protein change: p.Arg125His; replaces arginine 125 with histidine.
Molecular consequence: missense variant.
Genome position (GRCh38, 1-based): chr6:107,921,875, C>T on the plus strand (G>A on the coding strand, the complement: SEC63 is on the minus strand). VCF-style: chr6-107921875-C-T. GRCh37 (hg19) VCF-style: chr6-108243079-C-T.
Other names: short protein forms R125H.
Identifiers: ClinVar variation 905040 (VCV000905040.6), dbSNP rs765447143, ClinGen allele CA3947725.

ClinVar aggregate classification (germline): Uncertain significance. Review status: criteria provided, multiple submitters, no conflicts (2 of 4 stars). 3 submissions from 3 submitters: Uncertain significance (3). Last evaluated 2025-08-13.

Conditions:
Polycystic liver disease 2 (PCLD2). Also called: Polycystic liver disease 2 with or without kidney cysts. Identifiers: Orphanet 2924, MedGen C4310769, MONDO:0014860, OMIM 617004.

Allele frequency attached by ClinVar (database versions not stated): ExAC 0.00001; gnomAD exomes 0.00001.
gnomAD v4.1: 21 of 1,606,794 alleles (0.0013%); highest among the groups gnomAD compares: East Asian, 0.0067%; no homozygotes.

Submissions (3):

Labcorp Genetics (formerly Invitae), Labcorp
Classification: Uncertain significance. Last evaluated: 2025-08-13. Review status: criteria provided, single submitter. Criteria: Invitae Variant Classification Sherloc (09022015). Collection method: clinical testing. Allele origin: germline.
Comment: This sequence change replaces arginine, which is basic and polar, with histidine, which is basic and polar, at codon 125 of the SEC63 protein (p.Arg125His). This variant is present in population databases (rs765447143, gnomAD no frequency). This variant has not been reported in the literature in individuals affected with SEC63-related conditions. ClinVar contains an entry for this variant (Variation ID: 905040). An algorithm developed to predict the effect of missense changes on protein structure and function (PolyPhen-2) suggests that this variant is likely to be tolerated. In summary, the available evidence is currently insufficient to determine the role of this variant in disease. Therefore, it has been classified as a Variant of Uncertain Significance.

Fulgent Genetics
Classification: Uncertain significance for Polycystic liver disease 2. Last evaluated: 2024-05-19. Review status: criteria provided, single submitter. Criteria: ACMG Guidelines, 2015. Collection method: clinical testing. Allele origin: germline.

Illumina Laboratory Services, Illumina
Classification: Uncertain significance for Polycystic liver disease 2. Last evaluated: 2018-01-12. Review status: criteria provided, single submitter. Criteria: ICSL Variant Classification Criteria 13 December 2019. Collection method: clinical testing. Allele origin: germline.